The following is an entry in ClinVar:

NM_001330588.2(TPP2):c.2764A>G (p.Ile922Val)

Gene: TPP2 (tripeptidyl peptidase 2; plus strand). Cytogenetic location: 13q33.1.
Variant type: single nucleotide variant.
Coding change: c.2764A>G on transcript NM_001330588.2 (MANE Select); coding-DNA position 2764, A replaced by G.
Protein change: p.Ile922Val; replaces isoleucine 922 with valine.
Molecular consequence: missense variant. On other transcripts: non-coding transcript variant (1).
Genome position (GRCh38, 1-based): chr13:102,649,042, A>G. VCF-style: chr13-102649042-A-G. GRCh37 (hg19) VCF-style: chr13-103301392-A-G.
Other names: c.2764A>G, p.Ile922Val (NM_001367947.1, NM_003291.4); short protein forms I922V.
Identifiers: ClinVar variation 1444339 (VCV001444339.6), dbSNP rs749125006, ClinGen allele CA7038083.
Genomic context (GRCh38, chr13:102,649,042, plus strand): 5'-CGCCTTAAAGACCTTCCATTTATTGTTTCTCATAGATTGTCTAATACCTTGAGCTTAGAT[A>G]TTCATGAAAATCATAGTTTTGCACTTCTAGGGAAGAAGAAATCAAGCAATTTGACATTAC-3'
Protein context (NP_001317517.1, residues 912-932): HRLSNTLSLD[Ile922Val]HENHSFALLG

ClinVar aggregate classification (germline): Uncertain significance (1 of 4 stars; one submission).

Conditions:
Evans syndrome, immunodeficiency, and premature immunosenescence associated with tripeptidyl-peptidase II deficiency. Identifiers: MedGen CN231723. Disease mechanism: loss of function.

Allele frequency attached by ClinVar (database versions not stated): gnomAD exomes below 0.00001; ExAC 0.00001.
gnomAD v4.1: 1 of 1,613,866 alleles (0.000062%); highest among the groups gnomAD compares: Non-Finnish European, 0.000085%; no homozygotes.

Submission:

Labcorp Genetics (formerly Invitae), Labcorp
Classification: Uncertain significance for Evans syndrome, immunodeficiency, and premature immunosenescence associated with tripeptidyl-peptidase II deficiency. Last evaluated: 2021-10-30. Review status: criteria provided, single submitter. Criteria: Invitae Variant Classification Sherloc (09022015). Collection method: clinical testing. Allele origin: germline.
Comment: In summary, the available evidence is currently insufficient to determine the role of this variant in disease. Therefore, it has been classified as a Variant of Uncertain Significance. Algorithms developed to predict the effect of missense changes on protein structure and function (SIFT, PolyPhen-2, Align-GVGD) all suggest that this variant is likely to be tolerated. This variant has not been reported in the literature in individuals affected with TPP2-related conditions. This variant is present in population databases (rs749125006, gnomAD 0.0009%). This sequence change replaces isoleucine, which is neutral and non-polar, with valine, which is neutral and non-polar, at codon 922 of the TPP2 protein (p.Ile922Val).